The following is an entry in ClinVar:

ClinVar aggregate classification (germline): Benign. Review status: criteria provided, multiple submitters, no conflicts (2 of 4 stars). 2 submissions from 2 submitters: Benign (2). Last evaluated 2018-01-13.

Conditions:
Thrombocytopenia 2 (THC2). Also called: ANKRD26-Related Thrombocytopenia. Identifiers: Orphanet 268322, MedGen C1861185, MONDO:0008555, OMIM 188000.

Allele frequency attached by ClinVar (database versions not stated): gnomAD 0.08865 and 0.09385; TOPMed 0.09001; 1000 Genomes Project 30x 0.13726; 1000 Genomes Project 0.14257.

Submissions (2):

Illumina Laboratory Services, Illumina
Classification: Benign for Thrombocytopenia 2. Last evaluated: 2018-01-13. Review status: criteria provided, single submitter. Criteria: ICSL Variant Classification Criteria 13 December 2019. Collection method: clinical testing. Allele origin: germline.
Comment: This variant was observed in the ICSL laboratory as part of a predisposition screen in an ostensibly healthy population. It had not been previously curated by ICSL or reported in the Human Gene Mutation Database (HGMD: prior to June 1st, 2018), and was therefore a candidate for classification through an automated scoring system. Utilizing variant allele frequency, disease prevalence and penetrance estimates, and inheritance mode, an automated score was calculated to assess if this variant is too frequent to cause the disease. Based on the score and internal cut-off values, a variant classified as benign is not then subjected to further curation. The score for this variant resulted in a classification of benign for this disease.

Breakthrough Genomics
Classification: Benign. Review status: criteria provided, single submitter. Criteria: ACMG Guidelines, 2015. Collection method: not provided. Allele origin: germline. Inheritance: Autosomal dominant inheritance. Affected: yes.

NM_014915.3(ANKRD26):c.*1120A>G

Gene: ANKRD26 (ankyrin repeat domain 26; minus strand). Cytogenetic location: 10p12.1.
Variant type: single nucleotide variant.
Coding change: c.*1120A>G on transcript NM_014915.3 (MANE Select); 1120 bases downstream of the stop codon, A replaced by G.
Molecular consequence: 3 prime UTR variant.
Genome position (GRCh38, 1-based): chr10:27,004,470, T>C on the plus strand (A>G on the coding strand, the complement: ANKRD26 is on the minus strand). VCF-style: chr10-27004470-T-C. GRCh37 (hg19) VCF-style: chr10-27293399-T-C.
Other names: c.*1120A>G (NM_001256053.2).
Identifiers: ClinVar variation 299715 (VCV000299715.6), dbSNP rs35446173, ClinGen allele CA10635537.